The following is an entry in ClinVar:

ClinVar aggregate classification (germline): Uncertain significance (1 of 4 stars; one submission).

gnomAD v4.1: 37 of 1,614,086 alleles (0.0023%); highest among the groups gnomAD compares: Non-Finnish European, 0.0031%; no homozygotes.

Submission:

Mayo Clinic Laboratories, Mayo Clinic
Classification: Uncertain significance. Last evaluated: 2024-09-09. Review status: criteria provided, single submitter. Criteria: ACMG Guidelines, 2015. Collection method: clinical testing. Allele origin: germline. Observed: 1 variant allele.
Comment: BP5, PM2

NM_031443.4(CCM2):c.44C>T (p.Ser15Leu)

Gene: CCM2 (CCM2 scaffold protein; plus strand). Cytogenetic location: 7p13.
Variant type: single nucleotide variant.
Coding change: c.44C>T on transcript NM_031443.4 (MANE Select); coding-DNA position 44, C replaced by T.
Protein change: p.Ser15Leu; replaces serine 15 with leucine.
Molecular consequence: missense variant. On other transcripts: non-coding transcript variant (1), intron variant (2).
Genome position (GRCh38, 1-based): chr7:45,038,266, C>T. VCF-style: chr7-45038266-C-T. GRCh37 (hg19) VCF-style: chr7-45077865-C-T.
Other names: p.Ser15Leu; c.107C>T, p.Ser36Leu (NM_001029835.2); c.44C>T, p.Ser15Leu (NM_001167935.2, NM_001363458.2); c.31-25652C>T (NM_001363459.2, NM_001167934.2); short protein forms S15L, S36L.
Identifiers: ClinVar variation 3379763 (VCV003379763.1).